The following is an entry in ClinVar:

ClinVar aggregate classification (germline): Conflicting classifications of pathogenicity. Review status: criteria provided, conflicting classifications (1 of 4 stars). 3 submissions from 3 submitters: Uncertain significance (2); Likely benign (1). Last evaluated 2026-04-01.

Conditions:
NLRC4-related disorder. Also called: NLRC4-related condition.
Familial cold autoinflammatory syndrome 4 (FCAS4). Identifiers: Orphanet 47045, Orphanet 576349, MedGen C4015276, MONDO:0014498, OMIM 616115.
Periodic fever-infantile enterocolitis-autoinflammatory syndrome. Also called: Autoinflammation with infantile enterocolitis. Identifiers: Orphanet 436166, MedGen C4015067, MONDO:0014472, OMIM 616050.

Allele frequency attached by ClinVar (database versions not stated): ExAC 0.00002; gnomAD exomes 0.00002 and 0.00010; TOPMed 0.00019; gnomAD 0.00030.
gnomAD v4.1: 77 of 1,614,022 alleles (0.0048%); highest among the groups gnomAD compares: Admixed American, 0.11%; 1 homozygote.

Submissions (3):

CeGaT Center for Human Genetics Tuebingen
Classification: Likely benign. Last evaluated: 2026-04-01. Review status: criteria provided, single submitter. Criteria: CeGaT Center For Human Genetics Tuebingen Variant Classification Criteria Version 2. Collection method: clinical testing. Allele origin: germline. Affected: yes. Observed: 1 variant allele.
Comment: NLRC4: BS1

PreventionGenetics, part of Exact Sciences
Classification: Uncertain significance for NLRC4-related condition. Last evaluated: 2023-05-01. Review status: criteria provided, single submitter. Criteria: ACMG Guidelines, 2015. Collection method: clinical testing. Allele origin: germline.
Comment: The NLRC4 c.598G>A variant is predicted to result in the amino acid substitution p.Val200Ile. To our knowledge, this variant has not been reported in the literature. This variant is reported in 0.062% of alleles in individuals of Latino descent in gnomAD. At this time, the clinical significance of this variant is uncertain due to the absence of conclusive functional and genetic evidence.

Labcorp Genetics (formerly Invitae), Labcorp
Classification: Uncertain significance for Periodic fever-infantile enterocolitis-autoinflammatory syndrome; Familial cold autoinflammatory syndrome 4. Last evaluated: 2022-10-21. Review status: criteria provided, single submitter. Criteria: Invitae Variant Classification Sherloc (09022015). Collection method: clinical testing. Allele origin: germline.
Comment: This sequence change replaces valine, which is neutral and non-polar, with isoleucine, which is neutral and non-polar, at codon 200 of the NLRC4 protein (p.Val200Ile). This variant is present in population databases (rs767733551, gnomAD 0.06%), and has an allele count higher than expected for a pathogenic variant. In summary, the available evidence is currently insufficient to determine the role of this variant in disease. Therefore, it has been classified as a Variant of Uncertain Significance. Advanced modeling of protein sequence and biophysical properties (such as structural, functional, and spatial information, amino acid conservation, physicochemical variation, residue mobility, and thermodynamic stability) performed at Invitae indicates that this missense variant is not expected to disrupt NLRC4 protein function. ClinVar contains an entry for this variant (Variation ID: 1011547). This variant has not been reported in the literature in individuals affected with NLRC4-related conditions.

NM_001199138.2(NLRC4):c.598G>A (p.Val200Ile)

Gene: NLRC4 (NLR family CARD domain containing 4; minus strand). Cytogenetic location: 2p22.3.
Variant type: single nucleotide variant.
Coding change: c.598G>A on transcript NM_001199138.2 (MANE Select); coding-DNA position 598, G replaced by A.
Protein change: p.Val200Ile; replaces valine 200 with isoleucine.
Molecular consequence: missense variant. On other transcripts: intron variant (1).
Genome position (GRCh38, 1-based): chr2:32,251,266, C>T on the plus strand (G>A on the coding strand, the complement: NLRC4 is on the minus strand). VCF-style: chr2-32251266-C-T. GRCh37 (hg19) VCF-style: chr2-32476335-C-T.
Other names: c.598G>A, p.Val200Ile (NM_001199139.2, NM_021209.5); c.262+1153G>A (NM_001302504.1); short protein forms V200I.
Identifiers: ClinVar variation 1011547 (VCV001011547.9), dbSNP rs767733551, ClinGen allele CA1602110.